The following is an entry in ClinVar:

NM_001127511.3(APC):c.163C>T (p.Gln55Ter)

Gene: APC (APC regulator of Wnt signaling pathway; plus strand). Cytogenetic location: 5q22.2.
Variant type: single nucleotide variant.
Coding change: c.163C>T on transcript NM_001127511.3; coding-DNA position 163, C replaced by T.
Protein change: p.Gln55Ter; replaces glutamine 55 with a stop codon.
Molecular consequence: nonsense. On other transcripts: 5 prime UTR variant (8), non-coding transcript variant (1), intron variant (5).
Genome position (GRCh38, 1-based): chr5:112,707,880, C>T. VCF-style: chr5-112707880-C-T. GRCh37 (hg19) VCF-style: chr5-112043577-C-T.
Other names: c.-21C>T (NM_001354895.2, NM_001407447.1, NM_001407452.1 and 3 more transcripts); c.163C>T, p.Gln55Ter (NM_001354897.2, NM_001354902.2, NM_001407446.1); c.-1056C>T (NM_001407470.1, NM_001407472.1); c.-19+231C>T (NM_001407448.1, NM_001407450.1, NM_001407457.1 and 1 more transcripts); c.-43+231C>T (NM_001407453.1); short protein forms Q55*.
Identifiers: ClinVar variation 1042535 (VCV001042535.9), dbSNP rs1312050427, ClinGen allele CA360612220.

ClinVar aggregate classification (germline): Uncertain significance (1 of 4 stars; one submission).

Conditions:
Familial adenomatous polyposis 1 (FAP1). Also called: FAMILIAL ADENOMATOUS POLYPOSIS 1, ATTENUATED; POLYPOSIS, ADENOMATOUS INTESTINAL. Identifiers: MedGen C2713442, MONDO:0021056, OMIM 175100. Disease mechanism: loss of function.

Allele frequency attached by ClinVar (database versions not stated): gnomAD 0.00001.

Submission:

Labcorp Genetics (formerly Invitae), Labcorp
Classification: Uncertain significance for Familial adenomatous polyposis 1. Last evaluated: 2022-12-14. Review status: criteria provided, single submitter. Criteria: Invitae Variant Classification Sherloc (09022015). Collection method: clinical testing. Allele origin: germline.
Comment: Experimental studies and prediction algorithms are not available or were not evaluated, and the functional significance of this variant is currently unknown. This variant occurs in a non-coding region of the APC gene. It does not change the encoded amino acid sequence of the APC protein. This variant is not present in population databases (gnomAD no frequency). This variant has not been reported in the literature in individuals affected with APC-related conditions. In summary, the available evidence is currently insufficient to determine the role of this variant in disease. Therefore, it has been classified as a Variant of Uncertain Significance.